The following is an entry in ClinVar:

NM_001042492.3(NF1):c.4871T>C (p.Ile1624Thr)

Gene: NF1 (neurofibromin 1; plus strand). Cytogenetic location: 17q11.2.
Variant type: single nucleotide variant.
Coding change: c.4871T>C on transcript NM_001042492.3 (MANE Select); coding-DNA position 4871, T replaced by C.
Protein change: p.Ile1624Thr; replaces isoleucine 1624 with threonine.
Molecular consequence: missense variant.
Genome position (GRCh38, 1-based): chr17:31,325,855, T>C. VCF-style: chr17-31325855-T-C. GRCh37 (hg19) VCF-style: chr17-29652873-T-C.
Other names: c.4808T>C, p.Ile1603Thr (NM_000267.4); short protein forms I1624T, I1603T.
Identifiers: ClinVar variation 2784926 (VCV002784926.3), dbSNP rs2151537596, ClinGen allele CA399006998.

ClinVar aggregate classification (germline): Uncertain significance (1 of 4 stars; one submission).

Conditions:
Neurofibromatosis, type 1 (NF1). Also called: VON RECKLINGHAUSEN DISEASE; Peripheral type neurofibromatosis; Neurofibromatosis, type I; NEUROFIBROMATOSIS, TYPE I, SOMATIC. Identifiers: Orphanet 636, MedGen C0027831, MONDO:0018975, OMIM 162200. Disease mechanism: loss of function.

Allele frequency attached by ClinVar (database versions not stated): gnomAD exomes below 0.00001.
gnomAD v4.1: 1 of 1,614,236 alleles (0.000062%); highest among the groups gnomAD compares: African/African-American, 0.0013%; no homozygotes.

Submission:

Labcorp Genetics (formerly Invitae), Labcorp
Classification: Uncertain significance for Neurofibromatosis, type 1. Last evaluated: 2023-07-26. Review status: criteria provided, single submitter. Criteria: Invitae Variant Classification Sherloc (09022015). Collection method: clinical testing. Allele origin: germline.
Comment: In summary, the available evidence is currently insufficient to determine the role of this variant in disease. Therefore, it has been classified as a Variant of Uncertain Significance. Advanced modeling of protein sequence and biophysical properties (such as structural, functional, and spatial information, amino acid conservation, physicochemical variation, residue mobility, and thermodynamic stability) performed at Invitae indicates that this missense variant is expected to disrupt NF1 protein function. This variant has not been reported in the literature in individuals affected with NF1-related conditions. This variant is not present in population databases (gnomAD no frequency). This sequence change replaces isoleucine, which is neutral and non-polar, with threonine, which is neutral and polar, at codon 1603 of the NF1 protein (p.Ile1603Thr).